The following is an entry in ClinVar:

ClinVar aggregate classification (germline): Uncertain significance (1 of 4 stars; one submission).

Conditions:
Tuberous sclerosis 2 (TSC2). Identifiers: Orphanet 805, MedGen C1860707, MONDO:0013199, OMIM 613254.

Submission:

Labcorp Genetics (formerly Invitae), Labcorp
Classification: Uncertain significance for Tuberous sclerosis 2. Last evaluated: 2022-05-26. Review status: criteria provided, single submitter. Criteria: Invitae Variant Classification Sherloc (09022015). Collection method: clinical testing. Allele origin: germline.
Comment: This variant is not present in population databases (gnomAD no frequency). In summary, the available evidence is currently insufficient to determine the role of this variant in disease. Therefore, it has been classified as a Variant of Uncertain Significance. Algorithms developed to predict the effect of sequence changes on RNA splicing suggest that this variant may create or strengthen a splice site. This variant has not been reported in the literature in individuals affected with TSC2-related conditions. This sequence change falls in intron 25 of the TSC2 gene. It does not directly change the encoded amino acid sequence of the TSC2 protein.

NM_000548.5(TSC2):c.2838-6C>A

Gene: TSC2 (TSC complex subunit 2; plus strand). Cytogenetic location: 16p13.3.
Variant type: single nucleotide variant.
Coding change: c.2838-6C>A on transcript NM_000548.5 (MANE Select); 6 bases into the intron before coding-DNA position 2838, C replaced by A.
Molecular consequence: intron variant.
Genome position (GRCh38, 1-based): chr16:2,077,592, C>A. VCF-style: chr16-2077592-C-A. GRCh37 (hg19) VCF-style: chr16-2127593-C-A.
Other names: c.2838-6C>A (NM_001114382.3); c.2837+1007C>A (NM_021055.3, NM_001370405.1, NM_001363528.2 and 2 more transcripts); c.2726+1007C>A (NM_001318827.2); c.2237+1007C>A (NM_001318831.2); c.2690+1007C>A (NM_001318829.2); c.2870+1007C>A (NM_001318832.2).
Identifiers: ClinVar variation 1999157 (VCV001999157.4), dbSNP rs528706539, ClinGen allele CA2580090888.